The following is an entry in ClinVar:

NM_002485.5(NBN):c.394A>T (p.Ile132Leu)

Gene: NBN (nibrin; minus strand). Cytogenetic location: 8q21.3.
Variant type: single nucleotide variant.
Coding change: c.394A>T on transcript NM_002485.5 (MANE Select); coding-DNA position 394, A replaced by T.
Protein change: p.Ile132Leu; replaces isoleucine 132 with leucine.
Molecular consequence: missense variant.
Genome position (GRCh38, 1-based): chr8:89,980,820, T>A on the plus strand (A>T on the coding strand, the complement: NBN is on the minus strand). VCF-style: chr8-89980820-T-A. GRCh37 (hg19) VCF-style: chr8-90993048-T-A.
Other names: c.148A>T, p.Ile50Leu (NM_001024688.3, NM_001440379.1, NM_001440380.1); short protein forms I132L, I50L.
Identifiers: ClinVar variation 5025368 (VCV005025368.1).

ClinVar aggregate classification (germline): Uncertain significance (1 of 4 stars; one submission).

Conditions:
Hereditary cancer-predisposing syndrome. Also called: Neoplastic Syndromes, Hereditary; Tumor predisposition; Hereditary neoplastic syndrome; Hereditary Cancer Syndrome. Identifiers: Orphanet 140162, MedGen C0027672, MeSH D009386, MONDO:0015356.

Submission:

Ambry Genetics
Classification: Uncertain significance for Hereditary cancer-predisposing syndrome. Last evaluated: 2026-07-01. Review status: criteria provided, single submitter. Criteria: Ambry Variant Classification Scheme 2023. Collection method: clinical testing. Allele origin: germline.
Comment: The p.I132L variant (also known as c.394A>T), located in coding exon 4 of the NBN gene, results from an A to T substitution at nucleotide position 394. The isoleucine at codon 132 is replaced by leucine, an amino acid with highly similar properties. This amino acid position is conserved. In addition, this alteration is predicted to be tolerated by in silico analysis. Based on the available evidence, the clinical significance of this variant remains unclear.